The following is an entry in ClinVar:

NM_020247.5(COQ8A):c.1057C>T (p.Arg353Cys)

Gene: COQ8A (coenzyme Q8A; plus strand). Cytogenetic location: 1q42.13.
Variant type: single nucleotide variant.
Coding change: c.1057C>T on transcript NM_020247.5 (MANE Select); coding-DNA position 1057, C replaced by T.
Protein change: p.Arg353Cys; replaces arginine 353 with cysteine.
Molecular consequence: missense variant.
Genome position (GRCh38, 1-based): chr1:226,983,011, C>T. VCF-style: chr1-226983011-C-T. GRCh37 (hg19) VCF-style: chr1-227170712-C-T.
Other names: short protein forms R353C.
Identifiers: ClinVar variation 446787 (VCV000446787.10), dbSNP rs373083392, ClinGen allele CA1425277.
Genomic context (GRCh38, chr1:226,983,011, plus strand): 5'-GAGCGGCCCTTCGCCGCCGCATCCATTGGGCAGGTGCACTTGGCCCGAATGAAGGGCGGC[C>T]GCGAGGTGGCCATGAAGATCCAGGTAGGCGGCCTGATGCGCAGTGCCTGTCCCTATGGGG-3'
Protein context (NP_064632.2, residues 343-363): QVHLARMKGG[Arg353Cys]EVAMKIQYPG

ClinVar aggregate classification (germline): Uncertain significance. Review status: criteria provided, multiple submitters, no conflicts (2 of 4 stars). 5 submissions from 5 submitters: Uncertain significance (5). Last evaluated 2026-10-07.

Allele frequency attached by ClinVar (database versions not stated): 1000 Genomes Project 0.00060; gnomAD 0.00014 and 0.00016; gnomAD exomes 0.00022 and 0.00015; 1000 Genomes Project 30x 0.00047; TOPMed 0.00016; ExAC 0.00022.
gnomAD v4.1: 249 of 1,591,862 alleles (0.016%); highest among the groups gnomAD compares: East Asian, 0.1%; 2 homozygotes.

Submissions (5):

GeneDx
Classification: Uncertain significance. Last evaluated: 2026-10-07. Review status: criteria provided, single submitter. Criteria: GeneDx Variant Classification Process June 2021. Collection method: clinical testing. Allele origin: germline.
Comment: Reported in a proband with ubiquinone deficiency with cerebellar ataxia in the published literature (PMID: 30552426); In silico analysis supports that this missense variant has a deleterious effect on protein structure/function; This variant is associated with the following publications: (PMID: 32958805, 23773965, 30552426)

Mayo Clinic Laboratories, Mayo Clinic
Classification: Uncertain significance. Last evaluated: 2025-01-24. Review status: criteria provided, single submitter. Criteria: ACMG Guidelines, 2015. Collection method: clinical testing. Allele origin: germline. Observed: 1 variant allele.

Women's Health and Genetics/Laboratory Corporation of America, LabCorp
Classification: Uncertain significance. Last evaluated: 2024-11-07. Review status: criteria provided, single submitter. Criteria: LabCorp Variant Classification Summary - May 2015. Collection method: clinical testing. Allele origin: germline.
Comment: Variant summary: COQ8A c.1057C>T (p.Arg353Cys) results in a non-conservative amino acid change located in the ADCK3-like domain (IPR034646) of the encoded protein sequence. Five of five in-silico tools predict a damaging effect of the variant on protein function. The variant allele was found at a frequency of 0.00022 in 209744 control chromosomes (gnomAD). c.1057C>T has been reported in the literature in at least an individual affected with COQ8A-related conditions (Papuc_2019). This report however, does not provide unequivocal conclusions about association of the variant with Autosomal Recessive Ataxia Due To Ubiquinone Deficiency. To our knowledge, no experimental evidence demonstrating an impact on protein function has been reported. The following publications have been ascertained in the context of this evaluation (PMID: 30552426, 23773965). ClinVar contains an entry for this variant (Variation ID: 446787). Based on the evidence outlined above, the variant was classified as uncertain significance.

Athena Diagnostics
Classification: Uncertain significance. Last evaluated: 2023-05-02. Review status: criteria provided, single submitter. Criteria: Athena Diagnostics Criteria. Collection method: clinical testing. Allele origin: unknown.
Comment: Available data are insufficient to determine the clinical significance of the variant at this time. The frequency of this variant in the general population is higher than would generally be expected for pathogenic variants in this gene. Computational tools disagree on the variant's effect on normal protein function.

Labcorp Genetics (formerly Invitae), Labcorp
Classification: Uncertain significance. Last evaluated: 2022-11-02. Review status: criteria provided, single submitter. Criteria: Invitae Variant Classification Sherloc (09022015). Collection method: clinical testing. Allele origin: germline.
Comment: This sequence change replaces arginine, which is basic and polar, with cysteine, which is neutral and slightly polar, at codon 353 of the COQ8A protein (p.Arg353Cys). This variant is present in population databases (rs373083392, gnomAD 0.2%). This variant has not been reported in the literature in individuals affected with COQ8A-related conditions. ClinVar contains an entry for this variant (Variation ID: 446787). Advanced modeling of protein sequence and biophysical properties (such as structural, functional, and spatial information, amino acid conservation, physicochemical variation, residue mobility, and thermodynamic stability) has been performed at Invitae for this missense variant, however the output from this modeling did not meet the statistical confidence thresholds required to predict the impact of this variant on COQ8A protein function. In summary, the available evidence is currently insufficient to determine the role of this variant in disease. Therefore, it has been classified as a Variant of Uncertain Significance.

Literature cited by the submitters: PubMed 30552426 (cited by Mayo Clinic Laboratories, Mayo Clinic and Women's Health and Genetics/Laboratory Corporation of America, LabCorp); PubMed 23773965 (cited by Women's Health and Genetics/Laboratory Corporation of America, LabCorp); PubMed 32958805 (cited by Athena Diagnostics).